The following is an entry in ClinVar:

ClinVar aggregate classification (germline): Pathogenic. Review status: criteria provided, multiple submitters, no conflicts (2 of 4 stars). 3 submissions from 3 submitters: Pathogenic (3). Last evaluated 2024-11-20.

Conditions:
Leukodystrophy, hypomyelinating, 3. Identifiers: Orphanet 280270, Orphanet 280293, MedGen C1850053, MONDO:0009843, OMIM 260600.
AIMP1-related disorder. Also called: AIMP1-related condition.

Allele frequency attached by ClinVar (database versions not stated): ExAC 0.00001; gnomAD 0.00001; gnomAD exomes 0.00001; TOPMed 0.00003; ESP Exome Variant Server 0.00008.

Submissions (3):

Blueprint Genetics
Classification: Pathogenic for AIMP1-related disorders. Last evaluated: 2024-11-20. Review status: criteria provided, single submitter. Criteria: ACMG Guidelines, 2015. Collection method: clinical testing. Allele origin: germline. Affected: yes. Observed: 5 variant alleles.

Women's Health and Genetics/Laboratory Corporation of America, LabCorp
Classification: Pathogenic for Leukodystrophy, hypomyelinating, 3. Last evaluated: 2023-11-02. Review status: criteria provided, single submitter. Criteria: LabCorp Variant Classification Summary - May 2015. Collection method: clinical testing. Allele origin: germline.
Comment: Variant summary: SCYE1 c.191_192delAA (p.Gln64ArgfsX25) results in a premature termination codon, predicted to cause absence of the protein due to nonsense mediated decay, a commonly known mechanism for disease. The variant allele was found at a frequency of 2e-05 in 250996 control chromosomes (gnomAD). c.191_192delAA has been reported in the literature as a biallelic genotype in individuals with clinical phenotypes consistent with Hypomyelinating Leukodystrophy 3 (e.g. Accogli_2019, Burgess_2019). These data indicate that the variant is very likely associated with disease. To our knowledge, no experimental evidence demonstrating an impact on protein function has been reported. The following publications have been ascertained in the context of this evaluation (PMID: 30486714, 31618474). One submitter has cited a clinical-significance assessment for this variant to ClinVar after 2014 and has classified the variant as pathogenic. Based on the evidence outlined above, the variant was classified as pathogenic.

Labcorp Genetics (formerly Invitae), Labcorp
Classification: Pathogenic. Last evaluated: 2022-08-06. Review status: criteria provided, single submitter. Criteria: Invitae Variant Classification Sherloc (09022015). Collection method: clinical testing. Allele origin: germline.
Comment: For these reasons, this variant has been classified as Pathogenic. This variant is also known as c.263_264del. This premature translational stop signal has been observed in individual(s) with AIMP1-related conditions (PMID: 30486714, 31618474). This variant is present in population databases (rs766457850, gnomAD 0.004%). This sequence change creates a premature translational stop signal (p.Gln64Argfs*25) in the AIMP1 gene. It is expected to result in an absent or disrupted protein product. Loss-of-function variants in AIMP1 are known to be pathogenic (PMID: 21092922).

Literature cited by the submitters: PubMed 30486714 (cited by Women's Health and Genetics/Laboratory Corporation of America, LabCorp and Labcorp Genetics (formerly Invitae), Labcorp); PubMed 31618474 (cited by Women's Health and Genetics/Laboratory Corporation of America, LabCorp and Labcorp Genetics (formerly Invitae), Labcorp); PubMed 21092922 (cited by Labcorp Genetics (formerly Invitae), Labcorp).

NM_001142416.2(AIMP1):c.191_192del (p.Gln64fs)

Gene: AIMP1 (aminoacyl tRNA synthetase complex interacting multifunctional protein 1; plus strand). Cytogenetic location: 4q24.
Variant type: Deletion.
Coding change: c.191_192del on transcript NM_001142416.2 (MANE Select); coding-DNA positions 191 to 192, 2 bases deleted (AA; older notation c.191_192delAA).
Protein change: p.Gln64fs; shifts the reading frame from glutamine 64.
Molecular consequence: frameshift variant.
Genome position (GRCh38, 1-based): chr4:106,327,532-106,327,533, AA deleted. VCF-style (leftmost placement, unchanged base first): chr4-106327531-CAA-C. GRCh37 (hg19) VCF-style: chr4-107248688-CAA-C.
Other names: c.191_192del, p.Gln64fs (NM_001142415.2, NM_004757.4); c.191_192delAA (NM_004757.4); short protein forms Q64fs.
Identifiers: ClinVar variation 2159413 (VCV002159413.6), dbSNP rs766457850, ClinGen allele CA3035641.